The following is an entry in ClinVar:

ClinVar aggregate classification (germline): Uncertain significance (1 of 4 stars; one submission).

gnomAD v4.1: 1 of 1,600,628 alleles (0.000062%); highest among the groups gnomAD compares: South Asian, 0.0011%; no homozygotes.

Submission:

Dasa
Classification: Uncertain significance. Last evaluated: 2024-07-22. Review status: criteria provided, single submitter. Criteria: DASA Assertion Criteria. Collection method: clinical testing. Allele origin: germline.
Comment: NM_007118.4(TRIO):c.7555C>G (p.Pro2519Ala) is a missense variant that results in the substitution of proline with alanine. This variant is rare in population databases. Computational prediction algorithms are consistent with a benign effect. The currently available literature and clinical evidence are not sufficient to establish a definitive association between this variant and the reported condition. Therefore, this variant is classified as a variant of uncertain significance.

NM_007118.4(TRIO):c.7555C>G (p.Pro2519Ala)

Gene: TRIO (trio Rho guanine nucleotide exchange factor; plus strand). Cytogenetic location: 5p15.2.
Variant type: single nucleotide variant.
Coding change: c.7555C>G on transcript NM_007118.4 (MANE Select); coding-DNA position 7555, C replaced by G.
Protein change: p.Pro2519Ala; replaces proline 2519 with alanine.
Molecular consequence: missense variant.
Genome position (GRCh38, 1-based): chr5:14,488,183, C>G. VCF-style: chr5-14488183-C-G. GRCh37 (hg19) VCF-style: chr5-14488292-C-G.
Other names: short protein forms P2519A.
Identifiers: ClinVar variation 4881120 (VCV004881120.2).